The following is an entry in ClinVar:

ClinVar aggregate classification (germline): Benign/Likely benign. Review status: criteria provided, multiple submitters, no conflicts (2 of 4 stars). 3 submissions from 3 submitters: Benign (2); Likely benign (1). Last evaluated 2026-02-02.

Allele frequency attached by ClinVar (database versions not stated): gnomAD 0.00034; 1000 Genomes Project 0.00040; ESP Exome Variant Server 0.00055; 1000 Genomes Project 30x 0.00078; gnomAD exomes 0.00093 and 0.00152; TOPMed 0.00106; ExAC 0.00241.
gnomAD v4.1: 1,155 of 1,228,248 alleles (0.094%); highest among the groups gnomAD compares: Middle Eastern, 0.19%; 4 homozygotes.

Submissions (3):

Labcorp Genetics (formerly Invitae), Labcorp
Classification: Benign. Last evaluated: 2026-02-02. Review status: criteria provided, single submitter. Criteria: Invitae Variant Classification Sherloc (09022015). Collection method: clinical testing. Allele origin: germline.

CeGaT Center for Human Genetics Tuebingen
Classification: Likely benign. Last evaluated: 2023-01-01. Review status: criteria provided, single submitter. Criteria: CeGaT Center For Human Genetics Tuebingen Variant Classification Criteria Version 2. Collection method: clinical testing. Allele origin: germline. Affected: yes. Observed: 1 variant allele.
Comment: DIP2C: BP4, BP7

Breakthrough Genomics
Classification: Benign. Review status: criteria provided, single submitter. Criteria: ACMG Guidelines, 2015. Collection method: not provided. Allele origin: germline. Inheritance: Unknown mechanism. Affected: yes.

NM_014974.3(DIP2C):c.9C>T (p.Asp3=)

Gene: DIP2C (DIP2 acetate--CoA ligase C (putative); minus strand). Cytogenetic location: 10p15.3.
Variant type: single nucleotide variant.
Coding change: c.9C>T on transcript NM_014974.3 (MANE Select); coding-DNA position 9, C replaced by T.
Protein change: p.Asp3=; no amino-acid change (aspartic acid 3 retained).
Molecular consequence: synonymous variant.
Genome position (GRCh38, 1-based): chr10:689,570, G>A on the plus strand (C>T on the coding strand, the complement: DIP2C is on the minus strand). VCF-style: chr10-689570-G-A. GRCh37 (hg19) VCF-style: chr10-735510-G-A.
Identifiers: ClinVar variation 775283 (VCV000775283.34), dbSNP rs372847542, ClinGen allele CA5381708.